The following is an entry in ClinVar:

ClinVar aggregate classification (germline): Uncertain significance (1 of 4 stars; one submission).

Conditions:
Microphthalmia, isolated, with coloboma 6 (MCOPCB6). Also called: Microphthalmia with coloboma 6, digenic; Microphthalmia with coloboma 6; MICROPHTHALMIA/COLOBOMA 6. Identifiers: Orphanet 98938, MedGen C3150968, MONDO:0013376, OMIM 613703.
Leber congenital amaurosis 17 (LCA17). Identifiers: Orphanet 65, MedGen C3715164, MONDO:0014145, OMIM 615360.
Klippel-Feil syndrome 1, autosomal dominant (KFS1). Also called: CERVICAL VERTEBRAL FUSION, AUTOSOMAL DOMINANT. Identifiers: Orphanet 2345, MedGen C1861689, MONDO:0007306, OMIM 118100.
Isolated microphthalmia 4. Identifiers: Orphanet 2542, MedGen C2751307, MONDO:0013130, OMIM 613094.

Allele frequency attached by ClinVar (database versions not stated): gnomAD exomes below 0.00001; ExAC 0.00001.
gnomAD v4.1: 5 of 1,613,618 alleles (0.00031%); highest among the groups gnomAD compares: East Asian, 0.0067%; no homozygotes.

Submission:

Labcorp Genetics (formerly Invitae), Labcorp
Classification: Uncertain significance for Isolated microphthalmia 4; Leber congenital amaurosis 17; Klippel-Feil syndrome 1, autosomal dominant; Microphthalmia, isolated, with coloboma 6. Last evaluated: 2025-01-24. Review status: criteria provided, single submitter. Criteria: Invitae Variant Classification Sherloc (09022015). Collection method: clinical testing. Allele origin: germline.
Comment: This sequence change replaces arginine, which is basic and polar, with cysteine, which is neutral and slightly polar, at codon 46 of the GDF6 protein (p.Arg46Cys). This variant is present in population databases (rs766832433, gnomAD 0.01%). This variant has not been reported in the literature in individuals affected with GDF6-related conditions. ClinVar contains an entry for this variant (Variation ID: 2136688). An algorithm developed to predict the effect of missense changes on protein structure and function (PolyPhen-2) suggests that this variant is likely to be disruptive. In summary, the available evidence is currently insufficient to determine the role of this variant in disease. Therefore, it has been classified as a Variant of Uncertain Significance.

NM_001001557.4(GDF6):c.136C>T (p.Arg46Cys)

Gene: GDF6 (growth differentiation factor 6; minus strand). Cytogenetic location: 8q22.1.
Variant type: single nucleotide variant.
Coding change: c.136C>T on transcript NM_001001557.4 (MANE Select); coding-DNA position 136, C replaced by T.
Protein change: p.Arg46Cys; replaces arginine 46 with cysteine.
Molecular consequence: missense variant.
Genome position (GRCh38, 1-based): chr8:96,160,557, G>A on the plus strand (C>T on the coding strand, the complement: GDF6 is on the minus strand). VCF-style: chr8-96160557-G-A. GRCh37 (hg19) VCF-style: chr8-97172785-G-A.
Other names: short protein forms R46C.
Identifiers: ClinVar variation 2136688 (VCV002136688.4), dbSNP rs766832433, ClinGen allele CA4815545.
Genomic context (GRCh38, chr8:96,160,557, plus strand): 5'-CCTGGCCCTCCCGGCCCGCGTCACTGTCGCGCGGCGCCCGCTGCATCTTGCCTTCCTTGC[G>A]GCTTCGCATGCCCTTGGTGGAACCCAGCTCGGCGGACGACGAGGAGGATGAGATGGAAGC-3'
Protein context (NP_001001557.1, residues 36-56): ELGSTKGMRS[Arg46Cys]KEGKMQRAPR